The following is an entry in ClinVar:

ClinVar aggregate classification (germline): Uncertain significance (1 of 4 stars; one submission).

Conditions:
Hereditary cancer-predisposing syndrome. Also called: Neoplastic Syndromes, Hereditary; Tumor predisposition; Hereditary Cancer Syndrome; Hereditary neoplastic syndrome. Identifiers: Orphanet 140162, MedGen C0027672, MeSH D009386, MONDO:0015356.

Submission:

Ambry Genetics
Classification: Uncertain significance for Hereditary cancer-predisposing syndrome. Last evaluated: 2024-09-23. Review status: criteria provided, single submitter. Criteria: Ambry Variant Classification Scheme 2023. Collection method: clinical testing. Allele origin: germline.
Comment: The c.3989_3991delTAC variant (also known as p.L1330del) is located in coding exon 9 of the MSH6 gene. This variant results from an in-frame TAC deletion at nucleotide positions 3989 to 3991. This results in the in-frame deletion of a leucine residue at codon 1330. This amino acid position is highly conserved in available vertebrate species. In addition, the in silico prediction for this alteration is inconclusive (Choi Y et al. PLoS ONE. 2012; 7(10):e46688). Based on the available evidence, the clinical significance of this variant remains unclear.

NM_000179.3(MSH6):c.3989_3991del (p.Leu1330del)

Gene: MSH6 (mutS homolog 6; plus strand). Cytogenetic location: 2p16.3.
Variant type: Deletion.
Coding change: c.3989_3991del on transcript NM_000179.3 (MANE Select); coding-DNA positions 3989 to 3991, 3 bases deleted (TAC; older notation c.3989_3991delTAC).
Protein change: p.Leu1330del; deletes leucine 1330.
Molecular consequence: inframe deletion. On other transcripts: inframe indel (36).
Genome position (GRCh38, 1-based): chr2:47,806,639-47,806,641, TAC deleted; deleting any 3 consecutive bases within chr2:47,806,637-47,806,641 gives the same sequence; the c. name uses the placement nearest the transcript's 3' end. VCF-style (leftmost placement, unchanged base first): chr2-47806636-CACT-C. GRCh37 (hg19) VCF-style: chr2-48033775-CACT-C.
Other names: c.3599_3601del, p.Leu1200del (NM_001281492.2); c.3083_3085del, p.Leu1028del (NM_001281493.2, NM_001281494.2); c.4085_4087delTAC, p.Leu1362del (NM_001406795.1); c.3989_3991delTAC, p.Leu1330del (NM_001406796.1, NM_001406808.1, NM_001406809.1); c.3692_3694delTAC, p.Leu1231del (NM_001406797.1, NM_001406801.1, NM_001406805.1 and 10 more transcripts); c.3815_3817delTAC, p.Leu1272del (NM_001406798.1); c.3464_3466delTAC, p.Leu1155del (NM_001406799.1, NM_001406806.1, NM_001406807.1); c.*10_*12delTAC (NM_001406800.1); and 9 more; short protein forms L1155del, L1304del, L1332del, L257del, L1200del, L1272del, L1330del, L279del.
Identifiers: ClinVar variation 1736740 (VCV001736740.3), dbSNP rs2530878400, ClinGen allele CA2580067535.